The following is an entry in ClinVar:

NM_001369369.1(FOXN1):c.539G>C (p.Trp180Ser)

Gene: FOXN1 (forkhead box N1; plus strand). Cytogenetic location: 17q11.2.
Variant type: single nucleotide variant.
Coding change: c.539G>C on transcript NM_001369369.1 (MANE Select); coding-DNA position 539, G replaced by C.
Protein change: p.Trp180Ser; replaces tryptophan 180 with serine.
Molecular consequence: missense variant.
Genome position (GRCh38, 1-based): chr17:28,524,918, G>C. VCF-style: chr17-28524918-G-C. GRCh37 (hg19) VCF-style: chr17-26851936-G-C.
Other names: c.539G>C, p.Trp180Ser (NM_003593.3); short protein forms W180S.
Identifiers: ClinVar variation 322418 (VCV000322418.10), dbSNP rs765090704, ClinGen allele CA8459252.

ClinVar aggregate classification (germline): Uncertain significance. Review status: criteria provided, multiple submitters, no conflicts (2 of 4 stars). 2 submissions from 2 submitters: Uncertain significance (2). Last evaluated 2025-08-30.

Conditions:
Inborn genetic diseases. Identifiers: MedGen C0950123, MeSH D030342.
T-cell immunodeficiency, congenital alopecia, and nail dystrophy. Also called: Congenital alopecia and nail dystrophy associated with severe functional T-cell immunodeficiency; Pignata Guarino syndrome. Identifiers: Orphanet 169095, MedGen C1866426, MONDO:0011132, OMIM 601705.

Allele frequency attached by ClinVar (database versions not stated): ExAC 0.00001; gnomAD 0.00001 and 0.00002; gnomAD exomes 0.00002 and 0.00010; TOPMed 0.00002.
gnomAD v4.1: 149 of 1,612,750 alleles (0.0092%); highest among the groups gnomAD compares: Non-Finnish European, 0.012%; no homozygotes.

Submissions (2):

Ambry Genetics
Classification: Uncertain significance for Inborn genetic diseases. Last evaluated: 2025-08-30. Review status: criteria provided, single submitter. Criteria: Ambry Variant Classification Scheme 2023. Collection method: clinical testing. Allele origin: germline.

Labcorp Genetics (formerly Invitae), Labcorp
Classification: Uncertain significance for T-cell immunodeficiency, congenital alopecia, and nail dystrophy. Last evaluated: 2024-07-11. Review status: criteria provided, single submitter. Criteria: Invitae Variant Classification Sherloc (09022015). Collection method: clinical testing. Allele origin: germline.
Comment: This sequence change replaces tryptophan, which is neutral and slightly polar, with serine, which is neutral and polar, at codon 180 of the FOXN1 protein (p.Trp180Ser). This variant is present in population databases (rs765090704, gnomAD 0.003%). This variant has not been reported in the literature in individuals affected with FOXN1-related conditions. ClinVar contains an entry for this variant (Variation ID: 322418). Advanced modeling of protein sequence and biophysical properties (such as structural, functional, and spatial information, amino acid conservation, physicochemical variation, residue mobility, and thermodynamic stability) performed at Invitae indicates that this missense variant is not expected to disrupt FOXN1 protein function with a negative predictive value of 80%. In summary, the available evidence is currently insufficient to determine the role of this variant in disease. Therefore, it has been classified as a Variant of Uncertain Significance.